The following is an entry in ClinVar:

ClinVar aggregate classification (germline): Uncertain significance. Review status: criteria provided, multiple submitters, no conflicts (2 of 4 stars). 3 submissions from 3 submitters: Uncertain significance (3). Last evaluated 2024-10-23.

Conditions:
Inborn genetic diseases. Identifiers: MedGen C0950123, MeSH D030342.
Ethylmalonic encephalopathy (EE). Also called: EPEMA syndrome; Encephalopathy, petechiae, and ethylmalonic aciduria; Syndrome of encephalopathy, petechiae, and ethylmalonic aciduria. Identifiers: Orphanet 51188, MedGen C1865349, MONDO:0011229, OMIM 602473. Disease mechanism: loss of function.

gnomAD v4.1: 2 of 1,614,210 alleles (0.00012%); no homozygotes.

Submissions (3):

GeneDx
Classification: Uncertain significance. Last evaluated: 2024-10-23. Review status: criteria provided, single submitter. Criteria: GeneDx Variant Classification Process June 2021. Collection method: clinical testing. Allele origin: germline. Affected: yes.
Comment: Not observed at significant frequency in large population cohorts (gnomAD); In silico analysis supports that this missense variant has a deleterious effect on protein structure/function; Has not been previously published as pathogenic or benign to our knowledge

Ambry Genetics
Classification: Uncertain significance for Inborn genetic diseases. Last evaluated: 2024-05-06. Review status: criteria provided, single submitter. Criteria: Ambry Variant Classification Scheme 2023. Collection method: clinical testing. Allele origin: germline.

Illumina Laboratory Services, Illumina
Classification: Uncertain significance for Ethylmalonic encephalopathy. Last evaluated: 2018-01-12. Review status: criteria provided, single submitter. Criteria: ICSL Variant Classification Criteria 13 December 2019. Collection method: clinical testing. Allele origin: germline.

NM_014297.5(ETHE1):c.317G>C (p.Ser106Thr)

Gene: ETHE1 (ETHE1 persulfide dioxygenase; minus strand). Cytogenetic location: 19q13.31.
Variant type: single nucleotide variant.
Coding change: c.317G>C on transcript NM_014297.5 (MANE Select); coding-DNA position 317, G replaced by C.
Protein change: p.Ser106Thr; replaces serine 106 with threonine.
Molecular consequence: missense variant. On other transcripts: intron variant (2).
Genome position (GRCh38, 1-based): chr19:43,526,259, C>G on the plus strand (G>C on the coding strand, the complement: ETHE1 is on the minus strand). VCF-style: chr19-43526259-C-G. GRCh37 (hg19) VCF-style: chr19-44030411-C-G.
Other names: c.284G>C, p.Ser95Thr (NM_001320867.2); c.81+838G>C (NM_001320869.2); c.6+256G>C (NM_001320868.2); short protein forms S106T, S95T.
Identifiers: ClinVar variation 329443 (VCV000329443.7), dbSNP rs886054480, ClinGen allele CA10642902.